The following is an entry in ClinVar:

ClinVar aggregate classification (germline): Uncertain significance (1 of 4 stars; one submission).

Submission:

GeneDx
Classification: Uncertain significance. Last evaluated: 2025-07-12. Review status: criteria provided, single submitter. Criteria: GeneDx Variant Classification Process June 2021. Collection method: clinical testing. Allele origin: germline. Affected: yes.
Comment: Not observed at significant frequency in large population cohorts (gnomAD); In silico analysis suggests that this missense variant does not alter protein structure/function; Has not been previously published as pathogenic or benign to our knowledge

NM_000240.4(MAOA):c.364T>A (p.Leu122Met)

Gene: MAOA (monoamine oxidase A; plus strand). Cytogenetic location: Xp11.3.
Variant type: single nucleotide variant.
Coding change: c.364T>A on transcript NM_000240.4 (MANE Select); coding-DNA position 364, T replaced by A.
Protein change: p.Leu122Met; replaces leucine 122 with methionine.
Molecular consequence: missense variant. On other transcripts: 5 prime UTR variant (1).
Genome position (GRCh38, 1-based): chrX:43,711,929, T>A. VCF-style: chrX-43711929-T-A. GRCh37 (hg19) VCF-style: chrX-43571176-T-A.
Other names: c.-36T>A (NM_001270458.2); short protein forms L122M.
Identifiers: ClinVar variation 4685015 (VCV004685015.1).